The following is an entry in ClinVar:

NM_182961.4(SYNE1):c.15816G>T (p.Arg5272=)

Gene: SYNE1 (spectrin repeat containing nuclear envelope protein 1; minus strand). Cytogenetic location: 6q25.2.
Variant type: single nucleotide variant.
Coding change: c.15816G>T on transcript NM_182961.4 (MANE Select); coding-DNA position 15816, G replaced by T.
Protein change: p.Arg5272=; no amino-acid change (arginine 5272 retained).
Molecular consequence: synonymous variant.
Genome position (GRCh38, 1-based): chr6:152,323,579, C>A on the plus strand (G>T on the coding strand, the complement: SYNE1 is on the minus strand). VCF-style: chr6-152323579-C-A. GRCh37 (hg19) VCF-style: chr6-152644714-C-A.
Other names: c.15603G>T, p.Arg5201= (NM_033071.5).
Identifiers: ClinVar variation 1308052 (VCV001308052.7), dbSNP rs762050069, ClinGen allele CA4055691.

ClinVar aggregate classification (germline): Conflicting classifications of pathogenicity. Review status: criteria provided, conflicting classifications (1 of 4 stars). 3 submissions from 3 submitters: Uncertain significance (1); Likely benign (2). Last evaluated 2024-10-08.

Conditions:
Emery-Dreifuss muscular dystrophy 4, autosomal dominant (EDMD4). Also called: EMERY-DREIFUSS MUSCULAR DYSTROPHY 4 WITH VARIABLE FEATURES. Identifiers: Orphanet 261, MedGen C2751807, MONDO:0013071, OMIM 612998.
Autosomal recessive ataxia, Beauce type. Also called: SYNE1-Related Autosomal Recessive Cerebellar Ataxia; SYNE1 Deficiency; Spinocerebellar ataxia, autosomal recessive 8; ATAXIA, RECESSIVE, OF BEAUCE. Identifiers: Orphanet 88644, MedGen C1853116, MONDO:0012549, OMIM 610743.

Allele frequency attached by ClinVar (database versions not stated): TOPMed below 0.00001; ExAC 0.00012; gnomAD exomes 0.00012.
gnomAD v4.1: 82 of 1,614,240 alleles (0.0051%); highest among the groups gnomAD compares: South Asian, 0.09%; no homozygotes.

Submissions (3):

Blueprint Genetics
Classification: Likely benign. Last evaluated: 2024-10-08. Review status: criteria provided, single submitter. Criteria: ACMG Guidelines, 2015. Collection method: clinical testing. Allele origin: germline.

Labcorp Genetics (formerly Invitae), Labcorp
Classification: Likely benign for Emery-Dreifuss muscular dystrophy 4, autosomal dominant; Autosomal recessive ataxia, Beauce type. Last evaluated: 2024-01-20. Review status: criteria provided, single submitter. Criteria: Invitae Variant Classification Sherloc (09022015). Collection method: clinical testing. Allele origin: germline.

GeneDx
Classification: Uncertain significance. Last evaluated: 2019-08-22. Review status: criteria provided, single submitter. Criteria: GeneDx Variant Classification Process June 2021. Collection method: clinical testing. Allele origin: germline. Affected: yes.
Comment: Has not been previously published as pathogenic or benign to our knowledge; In-silico analysis, which includes splice predictors and evolutionary conservation, is inconclusive as to whether the variant alters gene splicing. In the absence of RNA/functional studies, the actual effect of this sequence change is unknown.